The following is an entry in ClinVar:

NM_012463.4(ATP6V0A2):c.409A>G (p.Thr137Ala)

Gene: ATP6V0A2 (ATPase H+ transporting V0 subunit a2; plus strand). Cytogenetic location: 12q24.31.
Variant type: single nucleotide variant.
Coding change: c.409A>G on transcript NM_012463.4 (MANE Select); coding-DNA position 409, A replaced by G.
Protein change: p.Thr137Ala; replaces threonine 137 with alanine.
Molecular consequence: missense variant.
Genome position (GRCh38, 1-based): chr12:123,724,768, A>G. VCF-style: chr12-123724768-A-G. GRCh37 (hg19) VCF-style: chr12-124209315-A-G.
Other names: short protein forms T137A.
Identifiers: ClinVar variation 1523474 (VCV001523474.3), dbSNP rs1319344210, ClinGen allele CA387151908.

ClinVar aggregate classification (germline): Uncertain significance (1 of 4 stars; one submission).

Conditions:
ALG9 congenital disorder of glycosylation (CDG1L). Also called: CDG Il; CONGENITAL DISORDER OF GLYCOSYLATION, TYPE Il; ALG9-CDG. Identifiers: Orphanet 79328, MedGen C2931006, MONDO:0012117, OMIM 608776.

Allele frequency attached by ClinVar (database versions not stated): gnomAD exomes below 0.00001.
gnomAD v4.1: 4 of 1,613,668 alleles (0.00025%); highest among the groups gnomAD compares: Non-Finnish European, 0.00025%; no homozygotes.

Submission:

Labcorp Genetics (formerly Invitae), Labcorp
Classification: Uncertain significance for ALG9 congenital disorder of glycosylation. Last evaluated: 2021-09-25. Review status: criteria provided, single submitter. Criteria: Invitae Variant Classification Sherloc (09022015). Collection method: clinical testing. Allele origin: germline.
Comment: This sequence change replaces threonine with alanine at codon 137 of the ATP6V0A2 protein (p.Thr137Ala). The threonine residue is moderately conserved and there is a small physicochemical difference between threonine and alanine. This variant is not present in population databases (ExAC no frequency). This variant has not been reported in the literature in individuals affected with ATP6V0A2-related conditions. Algorithms developed to predict the effect of missense changes on protein structure and function output the following: SIFT: "Tolerated"; PolyPhen-2: "Benign"; Align-GVGD: "Class C0". The alanine amino acid residue is found in multiple mammalian species, which suggests that this missense change does not adversely affect protein function. In summary, the available evidence is currently insufficient to determine the role of this variant in disease. Therefore, it has been classified as a Variant of Uncertain Significance.